The following is an entry in ClinVar:

ClinVar aggregate classification (germline): Uncertain significance (1 of 4 stars; one submission).

Submission:

Labcorp Genetics (formerly Invitae), Labcorp
Classification: Uncertain significance. Last evaluated: 2023-08-17. Review status: criteria provided, single submitter. Criteria: Invitae Variant Classification Sherloc (09022015). Collection method: clinical testing. Allele origin: germline.
Comment: This sequence change affects codon 556 of the MAGEL2 mRNA. It is a 'silent' change, meaning that it does not change the encoded amino acid sequence of the MAGEL2 protein. This variant is not present in population databases (gnomAD no frequency). This variant has not been reported in the literature in individuals affected with MAGEL2-related conditions. In summary, the available evidence is currently insufficient to determine the role of this variant in disease. Therefore, it has been classified as a Variant of Uncertain Significance.

NM_019066.5(MAGEL2):c.1668C>A (p.Pro556=)

Gene: MAGEL2 (MAGE family member L2; minus strand). Cytogenetic location: 15q11.2.
Variant type: single nucleotide variant.
Coding change: c.1668C>A on transcript NM_019066.5 (MANE Select); coding-DNA position 1668, C replaced by A.
Protein change: p.Pro556=; no amino-acid change (proline 556 retained).
Molecular consequence: synonymous variant.
Genome position (GRCh38, 1-based): chr15:23,646,075, G>T on the plus strand (C>A on the coding strand, the complement: MAGEL2 is on the minus strand). VCF-style: chr15-23646075-G-T. GRCh37 (hg19) VCF-style: chr15-23891222-G-T.
Identifiers: ClinVar variation 2800622 (VCV002800622.3), dbSNP rs898597132, ClinGen allele CA2627294080.